The following is an entry in ClinVar:

NM_020859.4(SHROOM3):c.2442C>T (p.Thr814=)

Genes: SHROOM3 (shroom family member 3; plus strand), SHROOM3-AS1 (SHROOM3 antisense RNA 1; minus strand). Cytogenetic location: 4q21.1.
Variant type: single nucleotide variant.
Coding change: c.2442C>T on transcript NM_020859.4 (MANE Select); coding-DNA position 2442, C replaced by T.
Protein change: p.Thr814=; no amino-acid change (threonine 814 retained).
Molecular consequence: synonymous variant.
Genome position (GRCh38, 1-based): chr4:76,740,615, C>T. VCF-style: chr4-76740615-C-T. GRCh37 (hg19) VCF-style: chr4-77661768-C-T.
Identifiers: ClinVar variation 3038405 (VCV003038405.2), dbSNP rs149703148, ClinGen allele CA2972558.

ClinVar aggregate classification (germline): Likely benign (0 of 4 stars; one submission).

Conditions:
SHROOM3-related disorder. Also called: SHROOM3-related condition.

Allele frequency attached by ClinVar (database versions not stated): ESP Exome Variant Server 0.00023.
gnomAD v4.1: 249 of 1,614,052 alleles (0.015%); highest among the groups gnomAD compares: Non-Finnish European, 0.021%; no homozygotes.

Submission:

PreventionGenetics, part of Exact Sciences
Classification: Likely benign for SHROOM3-related condition. Last evaluated: 2019-05-03. Review status: no assertion criteria provided. Collection method: clinical testing. Allele origin: germline.
Comment: This variant is classified as likely benign based on ACMG/AMP sequence variant interpretation guidelines (Richards et al. 2015 PMID: 25741868, with internal and published modifications).